The following is an entry in ClinVar:

NM_005051.3(QARS1):c.266-15G>A

Gene: QARS1 (glutaminyl-tRNA synthetase 1; minus strand). Cytogenetic location: 3p21.31.
Variant type: single nucleotide variant.
Coding change: c.266-15G>A on transcript NM_005051.3 (MANE Select); 15 bases into the intron before coding-DNA position 266, G replaced by A.
Molecular consequence: intron variant.
Genome position (GRCh38, 1-based): chr3:49,103,987, C>T on the plus strand (G>A on the coding strand, the complement: QARS1 is on the minus strand). VCF-style: chr3-49103987-C-T. GRCh37 (hg19) VCF-style: chr3-49141420-C-T.
Other names: c.233-15G>A (NM_001272073.2).
Identifiers: ClinVar variation 381883 (VCV000381883.9), dbSNP rs761737038, ClinGen allele CA2392229.

ClinVar aggregate classification (germline): Likely benign. Review status: criteria provided, multiple submitters, no conflicts (2 of 4 stars). 2 submissions from 2 submitters: Likely benign (2). Last evaluated 2024-10-24.

Conditions:
Diffuse cerebral and cerebellar atrophy - intractable seizures - progressive microcephaly syndrome. Also called: Microcephaly, progressive, with seizures and cerebral and cerebellar atrophy. Identifiers: Orphanet 404437, MedGen C4014239, MONDO:0014335, OMIM 615760.

Allele frequency attached by ClinVar (database versions not stated): gnomAD 0.00001; gnomAD exomes 0.00001; TOPMed 0.00001; ExAC 0.00002.
gnomAD v4.1: 14 of 1,603,990 alleles (0.00087%); highest among the groups gnomAD compares: Middle Eastern, 0.016%; no homozygotes.

Submissions (2):

Labcorp Genetics (formerly Invitae), Labcorp
Classification: Likely benign for Diffuse cerebral and cerebellar atrophy - intractable seizures - progressive microcephaly syndrome. Last evaluated: 2024-10-24. Review status: criteria provided, single submitter. Criteria: Invitae Variant Classification Sherloc (09022015). Collection method: clinical testing. Allele origin: germline.

GeneDx
Classification: Likely benign. Last evaluated: 2016-01-14. Review status: criteria provided, single submitter. Criteria: GeneDx Variant Classification (06012015). Collection method: clinical testing. Allele origin: germline. Affected: yes.
Comment: This variant is considered likely benign or benign based on one or more of the following criteria: it is a conservative change, it occurs at a poorly conserved position in the protein, it is predicted to be benign by multiple in silico algorithms, and/or has population frequency not consistent with disease.